The following is an entry in ClinVar:

ClinVar aggregate classification (germline): Conflicting classifications of pathogenicity. Review status: criteria provided, conflicting classifications (1 of 4 stars). 6 submissions from 5 submitters: Uncertain significance (1); Benign (2); Likely benign (3). Last evaluated 2026-04-01.

Conditions:
Hereditary spherocytosis type 1. Also called: Spherocytosis type 1; ANK1-Related Spherocytosis. Identifiers: Orphanet 822, MedGen C2674218, MONDO:0008447, OMIM 182900.
Spherocytosis. Identifiers: MedGen C0553720, HP:0004444.

Allele frequency attached by ClinVar (database versions not stated): 1000 Genomes Project 0.00140; 1000 Genomes Project 30x 0.00156; TOPMed 0.00275; gnomAD 0.00366 and 0.00376; ESP Exome Variant Server 0.00392; gnomAD exomes 0.00395; ExAC 0.00431.
gnomAD v4.1: 7,730 of 1,614,060 alleles (0.48%); highest among the groups gnomAD compares: Non-Finnish European, 0.56%; 30 homozygotes.

Submissions (6):

CeGaT Center for Human Genetics Tuebingen
Classification: Likely benign. Last evaluated: 2026-04-01. Review status: criteria provided, single submitter. Criteria: CeGaT Center For Human Genetics Tuebingen Variant Classification Criteria Version 2. Collection method: clinical testing. Allele origin: germline. Affected: yes. Observed: 6 variant alleles.
Comment: ANK1: BP4, BS2

Labcorp Genetics (formerly Invitae), Labcorp
Classification: Benign. Last evaluated: 2026-02-02. Review status: criteria provided, single submitter. Criteria: Invitae Variant Classification Sherloc (09022015). Collection method: clinical testing. Allele origin: germline.

Mayo Clinic Laboratories, Mayo Clinic
Classification: Likely benign. Last evaluated: 2025-04-08. Review status: criteria provided, single submitter. Criteria: ACMG Guidelines, 2015. Collection method: clinical testing. Allele origin: germline. Observed: 10 variant alleles.

ARUP Laboratories, Molecular Genetics and Genomics, ARUP Laboratories
Classification: Benign for Hereditary spherocytosis type 1. Last evaluated: 2025-02-28. Review status: criteria provided, single submitter. Criteria: ARUP Molecular Germline Variant Investigation Process 2024. Collection method: clinical testing. Allele origin: germline.

Illumina Laboratory Services, Illumina
Classification: Likely benign for Hereditary spherocytosis type 1. Last evaluated: 2018-01-13. Review status: criteria provided, single submitter. Criteria: ICSL Variant Classification Criteria 13 December 2019. Collection method: clinical testing. Allele origin: germline.
Comment: This variant was observed in the ICSL laboratory as part of a predisposition screen in an ostensibly healthy population. It had not been previously curated by ICSL or reported in the Human Gene Mutation Database (HGMD: prior to June 1st, 2018), and was therefore a candidate for classification through an automated scoring system. Utilizing variant allele frequency, disease prevalence and penetrance estimates, and inheritance mode, an automated score was calculated to assess if this variant is too frequent to cause the disease. Based on the score and internal cut-off values, a variant classified as likely benign is not then subjected to further curation. The score for this variant resulted in a classification of likely benign for this disease.

Illumina Laboratory Services, Illumina
Classification: Uncertain significance for Spherocytosis. Last evaluated: 2018-01-13. Review status: criteria provided, single submitter. Criteria: ICSL Variant Classification Criteria 13 December 2019. Collection method: clinical testing. Allele origin: germline.

NM_000037.4(ANK1):c.2403G>A (p.Lys801=)

Gene: ANK1 (ankyrin 1; minus strand). Cytogenetic location: 8p11.21.
Variant type: single nucleotide variant.
Coding change: c.2403G>A on transcript NM_000037.4 (MANE Select); coding-DNA position 2403, G replaced by A.
Protein change: p.Lys801=; no amino-acid change (lysine 801 retained).
Molecular consequence: synonymous variant.
Genome position (GRCh38, 1-based): chr8:41,701,608, C>T on the plus strand (G>A on the coding strand, the complement: ANK1 is on the minus strand). VCF-style: chr8-41701608-C-T. GRCh37 (hg19) VCF-style: chr8-41559126-C-T.
Other names: p.Lys801=; c.2502G>A, p.Lys834= (NM_001142446.2); c.2403G>A, p.Lys801= (NM_020475.3, NM_020476.3, NM_020477.3).
Identifiers: ClinVar variation 363015 (VCV000363015.48), dbSNP rs147130318, ClinGen allele CA4728243.
Genomic context (GRCh38, chr8:41,701,608, plus strand): 5'-ACCTTCATCTTCCGAGACATCCAGGATCTCATCAACTGTCTCAGGGAAACTCATTCGATG[C>T]TTATCACTGACTAACTAAAACGAGAAAAAGCAGATAATTCAACCCAAACTAGAGCCGCAC-3'
Protein context (NP_000028.3, residues 791-811): DETSFVLVSD[Lys801=]HRMSFPETVD